The following is an entry in ClinVar:

ClinVar aggregate classification (germline): Uncertain significance (1 of 4 stars; one submission).

Submission:

Labcorp Genetics (formerly Invitae), Labcorp
Classification: Uncertain significance. Last evaluated: 2024-03-26. Review status: criteria provided, single submitter. Criteria: Invitae Variant Classification Sherloc (09022015). Collection method: clinical testing. Allele origin: germline.
Comment: This sequence change replaces threonine, which is neutral and polar, with isoleucine, which is neutral and non-polar, at codon 474 of the TNFAIP3 protein (p.Thr474Ile). This variant is not present in population databases (gnomAD no frequency). This variant has not been reported in the literature in individuals affected with TNFAIP3-related conditions. Advanced modeling of protein sequence and biophysical properties (such as structural, functional, and spatial information, amino acid conservation, physicochemical variation, residue mobility, and thermodynamic stability) performed at Invitae indicates that this missense variant is not expected to disrupt TNFAIP3 protein function with a negative predictive value of 80%. In summary, the available evidence is currently insufficient to determine the role of this variant in disease. Therefore, it has been classified as a Variant of Uncertain Significance.

NM_001270508.2(TNFAIP3):c.1421C>T (p.Thr474Ile)

Gene: TNFAIP3 (TNF alpha induced protein 3; plus strand). Cytogenetic location: 6q23.3.
Variant type: single nucleotide variant.
Coding change: c.1421C>T on transcript NM_001270508.2 (MANE Select); coding-DNA position 1421, C replaced by T.
Protein change: p.Thr474Ile; replaces threonine 474 with isoleucine.
Molecular consequence: missense variant.
Genome position (GRCh38, 1-based): chr6:137,878,866, C>T. VCF-style: chr6-137878866-C-T. GRCh37 (hg19) VCF-style: chr6-138200003-C-T.
Other names: c.1421C>T, p.Thr474Ile (NM_001270507.2, NM_006290.4); short protein forms T474I.
Identifiers: ClinVar variation 3647719 (VCV003647719.2).
Genomic context (GRCh38, chr6:137,878,866, plus strand): 5'-CTGGGGGGCCTCATTCGGCCCCACCGACAGCACCCAGCCCTTTTCTGTTCAGTGAGACCA[C>T]TGCCATGAAGTGCAGGAGCCCCGGCTGCCCCTTCACACTGAATGTGCAGCACAACGGATT-3'
Protein context (NP_001257437.1, residues 464-484): APSPFLFSET[Thr474Ile]AMKCRSPGCP